The following is an entry in ClinVar:

ClinVar aggregate classification (germline): Uncertain significance (1 of 4 stars; one submission).

Submission:

GeneDx
Classification: Uncertain significance. Last evaluated: 2024-10-10. Review status: criteria provided, single submitter. Criteria: GeneDx Variant Classification Process June 2021. Collection method: clinical testing. Allele origin: germline. Affected: yes.
Comment: Not observed at significant frequency in large population cohorts (gnomAD); In silico analysis supports that this missense variant has a deleterious effect on protein structure/function; Has not been previously published as pathogenic or benign to our knowledge

NM_017672.6(TRPM7):c.2815T>C (p.Phe939Leu)

Gene: TRPM7 (transient receptor potential cation channel subfamily M member 7; minus strand). Cytogenetic location: 15q21.2.
Variant type: single nucleotide variant.
Coding change: c.2815T>C on transcript NM_017672.6 (MANE Select); coding-DNA position 2815, T replaced by C.
Protein change: p.Phe939Leu; replaces phenylalanine 939 with leucine.
Molecular consequence: missense variant. On other transcripts: non-coding transcript variant (3).
Genome position (GRCh38, 1-based): chr15:50,605,039, A>G on the plus strand (T>C on the coding strand, the complement: TRPM7 is on the minus strand). VCF-style: chr15-50605039-A-G. GRCh37 (hg19) VCF-style: chr15-50897236-A-G.
Other names: c.2815T>C, p.Phe939Leu (NM_001301212.2); short protein forms F939L.
Identifiers: ClinVar variation 3777509 (VCV003777509.1).